The following is an entry in ClinVar:

NM_005458.8(GABBR2):c.1724C>A (p.Thr575Asn)

Gene: GABBR2 (gamma-aminobutyric acid type B receptor subunit 2; minus strand). Cytogenetic location: 9q22.33.
Variant type: single nucleotide variant.
Coding change: c.1724C>A on transcript NM_005458.8 (MANE Select); coding-DNA position 1724, C replaced by A.
Protein change: p.Thr575Asn; replaces threonine 575 with asparagine.
Molecular consequence: missense variant.
Genome position (GRCh38, 1-based): chr9:98,371,510, G>T on the plus strand (C>A on the coding strand, the complement: GABBR2 is on the minus strand). VCF-style: chr9-98371510-G-T. GRCh37 (hg19) VCF-style: chr9-101133792-G-T.
Other names: short protein forms T575N.
Identifiers: ClinVar variation 2431990 (VCV002431990.4), dbSNP rs2491384090, ClinGen allele CA374207987.

ClinVar aggregate classification (germline): Uncertain significance. Review status: criteria provided, single submitter (1 of 4 stars). 2 submissions from 2 submitters: Uncertain significance (1). 1 of the submissions does not count toward it. Last evaluated 2019-10-31.

Conditions:
GABBR2-related disorder. Also called: GABBR2-related disorders; GABBR2-related condition.

Submissions (2):

Revvity Omics, Revvity
Classification: Uncertain significance. Last evaluated: 2019-10-31. Review status: criteria provided, single submitter. Criteria: ACMG Guidelines, 2015. Collection method: clinical testing. Allele origin: germline.

PreventionGenetics, part of Exact Sciences
Classification: Likely pathogenic for GABBR2-related condition. Last evaluated: 2024-08-19. Review status: no assertion criteria provided. Collection method: clinical testing. Allele origin: germline. Not counted in ClinVar's aggregate classification.
Comment: The GABBR2 c.1724C>A variant is predicted to result in the amino acid substitution p.Thr575Asn. This variant has been reported in one individual with features consistent with autosomal dominant GABBR2-related developmental disorders, yet inheritance was unknown and a second causative variant was detected; therefore it was classified as a variant of uncertain significance (Guo et al. 2024. Human Mutation. DOI 10.1155/2024/9115364). An alternate missense change at the same amino acid position has also been reported as a de novo finding in an affected individual (p.Thr575Ser; Fu et al. 2022. PubMed ID: 35982160). This variant has not been reported in a large population database, indicating this variant is rare. This variant is interpreted as likely pathogenic.